The following is an entry in ClinVar:

NM_173523.2(MAGEB6):c.102G>A (p.Lys34=)

Gene: MAGEB6 (MAGE family member B6; plus strand). Cytogenetic location: Xp21.3.
Variant type: single nucleotide variant.
Coding change: c.102G>A on transcript NM_173523.2 (MANE Select); coding-DNA position 102, G replaced by A.
Protein change: p.Lys34=; no amino-acid change (lysine 34 retained).
Molecular consequence: synonymous variant.
Genome position (GRCh38, 1-based): chrX:26,193,948, G>A. VCF-style: chrX-26193948-G-A. GRCh37 (hg19) VCF-style: chrX-26212065-G-A.
Identifiers: ClinVar variation 2660205 (VCV002660205.24), dbSNP rs201563340, ClinGen allele CA10374302.
Genomic context (GRCh38, chrX:26,193,948, plus strand): 5'-ACGCCAAGAGACCAATGGTCAGCCACAGGGTCTCACGGGTCCCCAGGCCACTGCAGAGAA[G>A]CAGGAAGAGTCCCACTCTTCCTCATCCTCTTCTCGCGCTTGTCTGGGTGATTGTCGTAGG-3'
Protein context (NP_775794.2, residues 24-44): GLTGPQATAE[Lys34=]QEESHSSSSS

ClinVar aggregate classification (germline): Likely benign (1 of 4 stars; one submission).

Allele frequency attached by ClinVar (database versions not stated): ExAC 0.00012; gnomAD 0.00013; gnomAD exomes 0.00021; TOPMed 0.00024; ESP Exome Variant Server 0.00028.
gnomAD v4.1: 248 of 1,208,627 alleles (0.021%); highest among the groups gnomAD compares: Non-Finnish European, 0.026%; no homozygotes.

Submission:

CeGaT Center for Human Genetics Tuebingen
Classification: Likely benign. Last evaluated: 2023-04-01. Review status: criteria provided, single submitter. Criteria: CeGaT Center For Human Genetics Tuebingen Variant Classification Criteria Version 2. Collection method: clinical testing. Allele origin: germline. Affected: yes. Observed: 1 variant allele.
Comment: MAGEB6: BP4, BP7, BS2